The following is an entry in ClinVar:

ClinVar aggregate classification (germline): Uncertain significance (1 of 4 stars; one submission).

gnomAD v4.1: 16 of 1,613,792 alleles (0.00099%); highest among the groups gnomAD compares: Admixed American, 0.0033%; 1 homozygote.

Submission:

Labcorp Genetics (formerly Invitae), Labcorp
Classification: Uncertain significance. Last evaluated: 2024-06-13. Review status: criteria provided, single submitter. Criteria: Invitae Variant Classification Sherloc (09022015). Collection method: clinical testing. Allele origin: germline.
Comment: This sequence change replaces arginine, which is basic and polar, with glutamine, which is neutral and polar, at codon 459 of the SLC27A5 protein (p.Arg459Gln). This variant is present in population databases (no rsID available, gnomAD 0.005%). This variant has not been reported in the literature in individuals affected with SLC27A5-related conditions. Algorithms developed to predict the effect of missense changes on protein structure and function output the following: SIFT: "Not Available"; PolyPhen-2: "Benign"; Align-GVGD: "Not Available". The glutamine amino acid residue is found in multiple mammalian species, which suggests that this missense change does not adversely affect protein function. In summary, the available evidence is currently insufficient to determine the role of this variant in disease. Therefore, it has been classified as a Variant of Uncertain Significance.

NM_012254.3(SLC27A5):c.1376G>A (p.Arg459Gln)

Gene: SLC27A5 (solute carrier family 27 member 5; minus strand). Cytogenetic location: 19q13.43.
Variant type: single nucleotide variant.
Coding change: c.1376G>A on transcript NM_012254.3 (MANE Select); coding-DNA position 1376, G replaced by A.
Protein change: p.Arg459Gln; replaces arginine 459 with glutamine.
Molecular consequence: missense variant.
Genome position (GRCh38, 1-based): chr19:58,500,513, C>T on the plus strand (G>A on the coding strand, the complement: SLC27A5 is on the minus strand). VCF-style: chr19-58500513-C-T. GRCh37 (hg19) VCF-style: chr19-59011880-C-T.
Other names: c.1124G>A, p.Arg375Gln (NM_001321196.2); short protein forms R375Q, R459Q.
Identifiers: ClinVar variation 3607727 (VCV003607727.2).